The following is an entry in ClinVar:

ClinVar aggregate classification (germline): Uncertain significance (1 of 4 stars; one submission).

Conditions:
Aicardi-Goutieres syndrome 2. Identifiers: Orphanet 51, MedGen C3489724, MONDO:0012429, OMIM 610181.

Allele frequency attached by ClinVar (database versions not stated): TOPMed 0.00002; gnomAD 0.00003.
gnomAD v4.1: 18 of 1,613,498 alleles (0.0011%); highest among the groups gnomAD compares: Non-Finnish European, 0.0015%; no homozygotes.

Submission:

Labcorp Genetics (formerly Invitae), Labcorp
Classification: Uncertain significance for Aicardi-Goutieres syndrome 2. Last evaluated: 2022-05-27. Review status: criteria provided, single submitter. Criteria: Invitae Variant Classification Sherloc (09022015). Collection method: clinical testing. Allele origin: germline.
Comment: This sequence change replaces methionine, which is neutral and non-polar, with isoleucine, which is neutral and non-polar, at codon 55 of the RNASEH2B protein (p.Met55Ile). This variant is not present in population databases (gnomAD no frequency). This variant has not been reported in the literature in individuals affected with RNASEH2B-related conditions. Algorithms developed to predict the effect of missense changes on protein structure and function output the following: SIFT: "Tolerated"; PolyPhen-2: "Benign"; Align-GVGD: "Class C0". The isoleucine amino acid residue is found in multiple mammalian species, which suggests that this missense change does not adversely affect protein function. Algorithms developed to predict the effect of sequence changes on RNA splicing suggest that this variant may create or strengthen a splice site. In summary, the available evidence is currently insufficient to determine the role of this variant in disease. Therefore, it has been classified as a Variant of Uncertain Significance.

NM_024570.4(RNASEH2B):c.165G>T (p.Met55Ile)

Gene: RNASEH2B (ribonuclease H2 subunit B; plus strand). Cytogenetic location: 13q14.3.
Variant type: single nucleotide variant.
Coding change: c.165G>T on transcript NM_024570.4 (MANE Select); coding-DNA position 165, G replaced by T.
Protein change: p.Met55Ile; replaces methionine 55 with isoleucine.
Molecular consequence: missense variant.
Genome position (GRCh38, 1-based): chr13:50,929,503, G>T. VCF-style: chr13-50929503-G-T. GRCh37 (hg19) VCF-style: chr13-51503639-G-T.
Other names: c.165G>T, p.Met55Ile (NM_001142279.2); short protein forms M55I.
Identifiers: ClinVar variation 1373669 (VCV001373669.5), dbSNP rs1292841062, ClinGen allele CA388258725.